The following is an entry in ClinVar:

NM_080425.4(GNAS):c.1354G>A (p.Asp452Asn)

Gene: GNAS (GNAS complex locus; plus strand). Cytogenetic location: 20q13.32.
Variant type: single nucleotide variant.
Coding change: c.1354G>A on transcript NM_080425.4 (MANE Plus Clinical); coding-DNA position 1354, G replaced by A.
Protein change: p.Asp452Asn; replaces aspartic acid 452 with asparagine.
Molecular consequence: missense variant. On other transcripts: synonymous variant (2), intron variant (3).
Genome position (GRCh38, 1-based): chr20:58,854,619, G>A. VCF-style: chr20-58854619-G-A. GRCh37 (hg19) VCF-style: chr20-57429674-G-A.
Other names: c.1354G>A (NM_080425.3); c.1167G>A, p.Pro389= (NM_001077490.3, NM_001309883.1); c.1354G>A, p.Asp452Asn (NM_001410913.1); c.*42+13733G>A (NM_016592.5); c.43+13733G>A (NM_001410912.1); c.-39+12744G>A (NM_001309861.2); short protein forms D452N.
Identifiers: ClinVar variation 4974606 (VCV004974606.2).

ClinVar aggregate classification (germline): Uncertain significance. Review status: criteria provided, multiple submitters, no conflicts (2 of 4 stars). 2 submissions from 2 submitters: Uncertain significance (2). Last evaluated 2026-08-10.

Conditions:
Pseudopseudohypoparathyroidism (PPHP). Also called: ALBRIGHT HEREDITARY OSTEODYSTROPHY WITHOUT MULTIPLE HORMONE RESISTANCE; Pseudopseudohypoparathyroidism (PPHP). Identifiers: Orphanet 79445, MedGen C0033835, MONDO:0012912, OMIM 612463.
GNAS-related disorder. Identifiers: MedGen CN380105.

gnomAD v4.1: 14 of 1,538,564 alleles (0.00091%); highest among the groups gnomAD compares: Middle Eastern, 0.018%; no homozygotes.

Submissions (2):

PreventionGenetics, part of Exact Sciences
Classification: Uncertain significance for GNAS-related condition. Last evaluated: 2026-08-10. Review status: criteria provided, single submitter. Criteria: ACMG Guidelines, 2015. Collection method: clinical testing. Allele origin: germline.
Comment: The GNAS c.1354G>A variant is predicted to result in the amino acid substitution p.Asp452Asn. This variant corresponds to a pre-coding variant in the primary transcript for this gene (NM_000516:c.-37108G>A). To our knowledge, this variant has not been reported in the literature. This variant is reported in 0.0038% of alleles in individuals of European (Non-Finnish) descent in gnomAD. At this time, the clinical significance of this variant is uncertain due to the absence of conclusive functional and genetic evidence.

Clinical Genomics Laboratory, Washington University in St. Louis
Classification: Uncertain significance for Pseudopseudohypoparathyroidism. Last evaluated: 2026-02-11. Review status: criteria provided, single submitter. Criteria: ACMG Guidelines, 2015. Collection method: clinical testing. Allele origin: germline.
Comment: A GNAS c.1354G>A (p.Asp452Asn) variant was identified at a near heterozygous allelic fraction of 49.3%, a frequency which may be consistent with germline origin. This variant, to our knowledge, has not been reported in the medical literature or in the ClinVar database. It is only observed on 14/1,538,564 alleles in the general population (gnomAD v4.1.0), indicating it is not a common variant. Computational predictors suggest that the variant does not impact GNAS function. Due to limited information and based on the ACMG/AMP guidelines for variant interpretation (Richards S et al., PMID: 25741868), the clinical significance of this variant is uncertain at this time.